The following is an entry in ClinVar:

NM_015346.4(ZFYVE26):c.3892C>T (p.Pro1298Ser)

Gene: ZFYVE26 (zinc finger FYVE-type containing 26; minus strand). Cytogenetic location: 14q24.1.
Variant type: single nucleotide variant.
Coding change: c.3892C>T on transcript NM_015346.4 (MANE Select); coding-DNA position 3892, C replaced by T.
Protein change: p.Pro1298Ser; replaces proline 1298 with serine.
Molecular consequence: missense variant.
Genome position (GRCh38, 1-based): chr14:67,783,260, G>A on the plus strand (C>T on the coding strand, the complement: ZFYVE26 is on the minus strand). VCF-style: chr14-67783260-G-A. GRCh37 (hg19) VCF-style: chr14-68249977-G-A.
Other names: short protein forms P1298S.
Identifiers: ClinVar variation 2201512 (VCV002201512.1), dbSNP rs755297892, ClinGen allele CA7239884.

ClinVar aggregate classification (germline): Uncertain significance (1 of 4 stars; one submission).

Conditions:
Spastic paraplegia. Identifiers: MedGen C0037772, HP:0001258.

Allele frequency attached by ClinVar (database versions not stated): gnomAD exomes below 0.00001; TOPMed below 0.00001; ExAC 0.00002.
gnomAD v4.1: 4 of 1,613,996 alleles (0.00025%); highest among the groups gnomAD compares: East Asian, 0.0045%; no homozygotes.

Submission:

Labcorp Genetics (formerly Invitae), Labcorp
Classification: Uncertain significance for Spastic paraplegia. Last evaluated: 2022-03-04. Review status: criteria provided, single submitter. Criteria: Invitae Variant Classification Sherloc (09022015). Collection method: clinical testing. Allele origin: germline.
Comment: This sequence change replaces proline, which is neutral and non-polar, with serine, which is neutral and polar, at codon 1298 of the ZFYVE26 protein (p.Pro1298Ser). This variant is present in population databases (rs755297892, gnomAD 0.01%). This variant has not been reported in the literature in individuals affected with ZFYVE26-related conditions. Algorithms developed to predict the effect of missense changes on protein structure and function output the following: SIFT: "Tolerated"; PolyPhen-2: "Benign"; Align-GVGD: "Class C0". The serine amino acid residue is found in multiple mammalian species, which suggests that this missense change does not adversely affect protein function. In summary, the available evidence is currently insufficient to determine the role of this variant in disease. Therefore, it has been classified as a Variant of Uncertain Significance.